The following is an entry in ClinVar:

NM_000202.8(IDS):c.1007-1G>C

Genes: IDS (iduronate 2-sulfatase; minus strand), LOC106050102 (IDS recombination region; plus strand). Cytogenetic location: Xq28.
Variant type: single nucleotide variant.
Coding change: c.1007-1G>C on transcript NM_000202.8 (MANE Select); the canonical splice acceptor site of the intron before coding-DNA position 1007, G replaced by C.
Molecular consequence: splice acceptor variant.
Genome position (GRCh38, 1-based): chrX:149,487,099, C>G on the plus strand (G>C on the coding strand, the complement: IDS is on the minus strand). VCF-style: chrX-149487099-C-G. GRCh37 (hg19) VCF-style: chrX-148568630-C-G.
Other names: c.737-1G>C (NM_001166550.4).
Identifiers: ClinVar variation 3255913 (VCV003255913.2).
Genomic context (GRCh38, chrX:149,487,099, plus strand): 5'-GGGTAGCAACATCAAAATTGCTGTATTTGGCCCATTCTCCATGTTCACCTAGAGCCCACC[C>G]TAGTTCATAAAAAGCACAGAATGACAGAAAATGAATAATCATCATACCACAGCTTGTTTA-3'

ClinVar aggregate classification (germline): Pathogenic (1 of 4 stars; one submission).

Conditions:
Mucopolysaccharidosis, MPS-II (MPS2). Also called: Hunter Syndrome; IDURONATE 2-SULFATASE DEFICIENCY; Mucopolysaccharidosis Type II; Mucopolysaccharidosis type 2; Attenuated MPS (subtype; formerly known as mild MPS II); Severe MPS II. Identifiers: Orphanet 580, Orphanet 79388, MedGen C0026705, MONDO:0010674, OMIM 309900.

Submission:

Laboratory of Diagnosis and Therapy of Lysosomal Disorders, University of Padova
Classification: Pathogenic for Mucopolysaccharidosis, MPS-II. Last evaluated: 2024-06-07. Review status: criteria provided, single submitter. Criteria: ACMG Guidelines, 2015. Collection method: literature only. Allele origin: germline. Affected: yes. Observed: 3 variant alleles.
Comment: Null variant (PVS1_Strong), Absent from controls (or at low frequency) in gnomAD database (PM2_Moderate), Patient’s phenotype or family history highly specific for the disease (PP4_Strong)

Classification method: ACMG Guidelines [PMID:25741868] with modifications

Literature cited by the submitters: PubMed 8281149; PubMed 8111411; PubMed 7887413.